The following is an entry in ClinVar:

NM_002778.4(PSAP):c.1432-4A>G

Gene: PSAP (prosaposin; minus strand). Cytogenetic location: 10q22.1.
Variant type: single nucleotide variant.
Coding change: c.1432-4A>G on transcript NM_002778.4 (MANE Select); 4 bases into the intron before coding-DNA position 1432, A replaced by G.
Molecular consequence: intron variant.
Genome position (GRCh38, 1-based): chr10:71,818,728, T>C on the plus strand (A>G on the coding strand, the complement: PSAP is on the minus strand). VCF-style: chr10-71818728-T-C. GRCh37 (hg19) VCF-style: chr10-73578485-T-C.
Other names: c.1438-4A>G (NM_001042466.3); c.1441-4A>G (NM_001042465.3).
Identifiers: ClinVar variation 300510 (VCV000300510.14), dbSNP rs775086571, ClinGen allele CA5547334.

ClinVar aggregate classification (germline): Conflicting classifications of pathogenicity. Review status: criteria provided, conflicting classifications (1 of 4 stars). 5 submissions from 2 submitters: Uncertain significance (3); Likely benign (2). Last evaluated 2023-12-03.

Conditions:
Krabbe disease due to saposin A deficiency. Also called: Saposin A Deficiency; KRABBE DISEASE, ATYPICAL, DUE TO SAPOSIN A DEFICIENCY. Identifiers: Orphanet 487, MedGen C2673266, MONDO:0012720, OMIM 611722.
Combined PSAP deficiency (PSAPD). Also called: COMBINED SAP DEFICIENCY; PROSAPOSIN DEFICIENCY; Encephalopathy due to prosaposin deficiency. Identifiers: Orphanet 139406, MedGen C2673635, MONDO:0012719, OMIM 611721.
Gaucher disease due to saposin C deficiency. Also called: Atypical Gaucher disease due to saposin C deficiency; Saposin C Deficiency. Identifiers: Orphanet 309252, Orphanet 355, MedGen C1864651, MONDO:0012517, OMIM 610539.
Sphingolipid activator protein 1 deficiency. Also called: Saposin B Deficiency; METACHROMATIC LEUKODYSTROPHY DUE TO CEREBROSIDE SULFATASE ACTIVATOR DEFICIENCY; Metachromatic leukodystrophy due to saposin B deficiency. Identifiers: Orphanet 512, MedGen C0268262, MONDO:0009590, OMIM 249900.

Allele frequency attached by ClinVar (database versions not stated): gnomAD 0.00001; gnomAD exomes 0.00001 and 0.00005; TOPMed 0.00001; ExAC 0.00002.
gnomAD v4.1: 71 of 1,611,028 alleles (0.0044%); highest among the groups gnomAD compares: South Asian, 0.0077%; no homozygotes.

Submissions (5):

Labcorp Genetics (formerly Invitae), Labcorp
Classification: Likely benign for Sphingolipid activator protein 1 deficiency. Last evaluated: 2023-12-03. Review status: criteria provided, single submitter. Criteria: Invitae Variant Classification Sherloc (09022015). Collection method: clinical testing. Allele origin: germline.

Illumina Laboratory Services, Illumina
Classification: Uncertain significance for Combined PSAP deficiency. Last evaluated: 2018-01-12. Review status: criteria provided, single submitter. Criteria: ICSL Variant Classification Criteria 13 December 2019. Collection method: clinical testing. Allele origin: germline.

Illumina Laboratory Services, Illumina
Classification: Uncertain significance for Sphingolipid activator protein 1 deficiency. Last evaluated: 2018-01-12. Review status: criteria provided, single submitter. Criteria: ICSL Variant Classification Criteria 13 December 2019. Collection method: clinical testing. Allele origin: germline.

Illumina Laboratory Services, Illumina
Classification: Uncertain significance for Krabbe disease due to saposin A deficiency. Last evaluated: 2018-01-12. Review status: criteria provided, single submitter. Criteria: ICSL Variant Classification Criteria 13 December 2019. Collection method: clinical testing. Allele origin: germline.

Illumina Laboratory Services, Illumina
Classification: Likely benign for Gaucher disease due to saposin C deficiency. Last evaluated: 2018-01-12. Review status: criteria provided, single submitter. Criteria: ICSL Variant Classification Criteria 13 December 2019. Collection method: clinical testing. Allele origin: germline.
Comment: This variant was observed in the ICSL laboratory as part of a predisposition screen in an ostensibly healthy population. It had not been previously curated by ICSL or reported in the Human Gene Mutation Database (HGMD: prior to June 1st, 2018), and was therefore a candidate for classification through an automated scoring system. Utilizing variant allele frequency, disease prevalence and penetrance estimates, and inheritance mode, an automated score was calculated to assess if this variant is too frequent to cause the disease. Based on the score and internal cut-off values, a variant classified as likely benign is not then subjected to further curation. The score for this variant resulted in a classification of likely benign for this disease.